The following is an entry in ClinVar:

NM_031935.3(HMCN1):c.12169A>G (p.Met4057Val)

Gene: HMCN1 (hemicentin 1; plus strand). Cytogenetic location: 1q31.1.
Variant type: single nucleotide variant.
Coding change: c.12169A>G on transcript NM_031935.3 (MANE Select); coding-DNA position 12169, A replaced by G.
Protein change: p.Met4057Val; replaces methionine 4057 with valine.
Molecular consequence: missense variant.
Genome position (GRCh38, 1-based): chr1:186,120,085, A>G. VCF-style: chr1-186120085-A-G. GRCh37 (hg19) VCF-style: chr1-186089217-A-G.
Other names: short protein forms M4057V.
Identifiers: ClinVar variation 2068957 (VCV002068957.4), dbSNP rs777379616, ClinGen allele CA1294283.

ClinVar aggregate classification (germline): Uncertain significance (1 of 4 stars; one submission).

Allele frequency attached by ClinVar (database versions not stated): ExAC 0.00002; gnomAD exomes 0.00003; gnomAD 0.00002; TOPMed 0.00002.
gnomAD v4.1: 40 of 1,613,882 alleles (0.0025%); highest among the groups gnomAD compares: South Asian, 0.011%; no homozygotes.

Submission:

Labcorp Genetics (formerly Invitae), Labcorp
Classification: Uncertain significance. Last evaluated: 2024-01-03. Review status: criteria provided, single submitter. Criteria: Invitae Variant Classification Sherloc (09022015). Collection method: clinical testing. Allele origin: germline.
Comment: This sequence change replaces methionine, which is neutral and non-polar, with valine, which is neutral and non-polar, at codon 4057 of the HMCN1 protein (p.Met4057Val). This variant is present in population databases (rs777379616, gnomAD 0.01%). This variant has not been reported in the literature in individuals affected with HMCN1-related conditions. ClinVar contains an entry for this variant (Variation ID: 2068957). An algorithm developed to predict the effect of missense changes on protein structure and function (PolyPhen-2) suggests that this variant is likely to be tolerated. In summary, the available evidence is currently insufficient to determine the role of this variant in disease. Therefore, it has been classified as a Variant of Uncertain Significance.